The following is an entry in ClinVar:

NM_004415.4(DSP):c.7820G>T (p.Ser2607Ile)

Gene: DSP (desmoplakin; plus strand). Cytogenetic location: 6p24.3.
Variant type: single nucleotide variant.
Coding change: c.7820G>T on transcript NM_004415.4 (MANE Select); coding-DNA position 7820, G replaced by T.
Protein change: p.Ser2607Ile; replaces serine 2607 with isoleucine.
Molecular consequence: missense variant.
Genome position (GRCh38, 1-based): chr6:7,585,082, G>T. VCF-style: chr6-7585082-G-T. GRCh37 (hg19) VCF-style: chr6-7585315-G-T.
Other names: c.6023G>T, p.Ser2008Ile (NM_001008844.3); c.6491G>T, p.Ser2164Ile (NM_001319034.2); short protein forms S2164I, S2607I, S2008I.
Identifiers: ClinVar variation 1918080 (VCV001918080.2), dbSNP rs2533948073, ClinGen allele CA362693850.

ClinVar aggregate classification (germline): Uncertain significance (1 of 4 stars; one submission).

Conditions:
Arrhythmogenic cardiomyopathy with wooly hair and keratoderma. Also called: Carvajal syndrome; PALMOPLANTAR KERATODERMA WITH LEFT VENTRICULAR CARDIOMYOPATHY AND WOOLLY HAIR; Dilated cardiomyopathy with woolly hair and keratoderma; Arrhythmogenic cardiomyopathy with woolly hair and keratoderma. Identifiers: Orphanet 65282, MedGen C1854063, MONDO:0011581, OMIM 605676.
Arrhythmogenic right ventricular dysplasia 8 (ARVD8). Also called: ARRHYTHMOGENIC RIGHT VENTRICULAR CARDIOMYOPATHY 8; ARRHYTHMOGENIC RIGHT VENTRICULAR DYSPLASIA, FAMILIAL, 8; Arrhythmogenic Right Ventricular Dysplasia/Cardiomyopathy 8. Identifiers: MedGen C1843896, MONDO:0011831, OMIM 607450.

Allele frequency attached by ClinVar (database versions not stated): gnomAD exomes below 0.00001.
gnomAD v4.1: 5 of 1,614,190 alleles (0.00031%); highest among the groups gnomAD compares: Non-Finnish European, 0.00042%; no homozygotes.

Submission:

Labcorp Genetics (formerly Invitae), Labcorp
Classification: Uncertain significance for Arrhythmogenic cardiomyopathy with wooly hair and keratoderma; Arrhythmogenic right ventricular dysplasia 8. Last evaluated: 2021-09-01. Review status: criteria provided, single submitter. Criteria: Invitae Variant Classification Sherloc (09022015). Collection method: clinical testing. Allele origin: germline.
Comment: This sequence change replaces serine with isoleucine at codon 2607 of the DSP protein (p.Ser2607Ile). The serine residue is moderately conserved and there is a large physicochemical difference between serine and isoleucine. This variant is not present in population databases (ExAC no frequency). This variant has not been reported in the literature in individuals affected with DSP-related conditions. Algorithms developed to predict the effect of missense changes on protein structure and function are either unavailable or do not agree on the potential impact of this missense change (SIFT: "Deleterious"; PolyPhen-2: "Benign"; Align-GVGD: "Class C15"). In summary, the available evidence is currently insufficient to determine the role of this variant in disease. Therefore, it has been classified as a Variant of Uncertain Significance.